The following is an entry in ClinVar:

NM_138409.4(MRAP2):c.324C>T (p.Gly108=)

Gene: MRAP2 (melanocortin 2 receptor accessory protein 2; plus strand). Cytogenetic location: 6q14.2.
Variant type: single nucleotide variant.
Coding change: c.324C>T on transcript NM_138409.4 (MANE Select); coding-DNA position 324, C replaced by T.
Protein change: p.Gly108=; no amino-acid change (glycine 108 retained).
Molecular consequence: synonymous variant.
Genome position (GRCh38, 1-based): chr6:84,089,187, C>T. VCF-style: chr6-84089187-C-T. GRCh37 (hg19) VCF-style: chr6-84798906-C-T.
Other names: c.66C>T, p.Gly22= (NM_001346541.2); c.324C>T, p.Gly108= (NM_001346542.2, NM_001346544.2); c.159C>T, p.Gly53= (NM_001346543.2).
Identifiers: ClinVar variation 3344983 (VCV003344983.1).

ClinVar aggregate classification (germline): Likely benign (0 of 4 stars; one submission).

Conditions:
MRAP2-related disorder. Also called: MRAP2-related condition.

gnomAD v4.1: 1 of 1,614,186 alleles (0.000062%); highest among the groups gnomAD compares: Non-Finnish European, 0.000085%; no homozygotes.

Submission:

PreventionGenetics, part of Exact Sciences
Classification: Likely benign for MRAP2-related condition. Last evaluated: 2024-08-05. Review status: no assertion criteria provided. Collection method: clinical testing. Allele origin: germline.
Comment: This variant is classified as likely benign based on ACMG/AMP sequence variant interpretation guidelines (Richards et al. 2015 PMID: 25741868, with internal and published modifications).